The following is an entry in ClinVar:

ClinVar aggregate classification (germline): Uncertain significance (1 of 4 stars; one submission).

Conditions:
Muscular dystrophy-dystroglycanopathy (congenital with brain and eye anomalies), type a, 8 (MDDGA8). Also called: WALKER-WARBURG SYNDROME OR MUSCLE-EYE-BRAIN DISEASE, GTDC2-RELATED. Identifiers: Orphanet 899, MedGen C3553813, MONDO:0013904, OMIM 614830.

Allele frequency attached by ClinVar (database versions not stated): TOPMed below 0.00001; gnomAD exomes 0.00001; ExAC 0.00002; ESP Exome Variant Server 0.00008.
gnomAD v4.1: 14 of 1,613,880 alleles (0.00087%); highest among the groups gnomAD compares: African/African-American, 0.008%; no homozygotes.

Submission:

Labcorp Genetics (formerly Invitae), Labcorp
Classification: Uncertain significance for Muscular dystrophy-dystroglycanopathy (congenital with brain and eye anomalies), type a, 8. Last evaluated: 2023-10-13. Review status: criteria provided, single submitter. Criteria: Invitae Variant Classification Sherloc (09022015). Collection method: clinical testing. Allele origin: germline.
Comment: This sequence change replaces arginine, which is basic and polar, with tryptophan, which is neutral and slightly polar, at codon 472 of the POMGNT2 protein (p.Arg472Trp). This variant is present in population databases (rs143892607, gnomAD 0.007%). This variant has not been reported in the literature in individuals affected with POMGNT2-related conditions. ClinVar contains an entry for this variant (Variation ID: 1390646). Advanced modeling of protein sequence and biophysical properties (such as structural, functional, and spatial information, amino acid conservation, physicochemical variation, residue mobility, and thermodynamic stability) performed at Invitae indicates that this missense variant is not expected to disrupt POMGNT2 protein function. In summary, the available evidence is currently insufficient to determine the role of this variant in disease. Therefore, it has been classified as a Variant of Uncertain Significance.

NM_032806.6(POMGNT2):c.1414C>T (p.Arg472Trp)

Gene: POMGNT2 (protein O-linked mannose N-acetylglucosaminyltransferase 2 (beta 1,4-); minus strand). Cytogenetic location: 3p22.1.
Variant type: single nucleotide variant.
Coding change: c.1414C>T on transcript NM_032806.6 (MANE Select); coding-DNA position 1414, C replaced by T.
Protein change: p.Arg472Trp; replaces arginine 472 with tryptophan.
Molecular consequence: missense variant.
Genome position (GRCh38, 1-based): chr3:43,080,018, G>A on the plus strand (C>T on the coding strand, the complement: POMGNT2 is on the minus strand). VCF-style: chr3-43080018-G-A. GRCh37 (hg19) VCF-style: chr3-43121510-G-A.
Other names: short protein forms R472W.
Identifiers: ClinVar variation 1390646 (VCV001390646.8), dbSNP rs143892607, ClinGen allele CA2339848.